The following is an entry in ClinVar:

NM_001291303.3(FAT4):c.3930C>A (p.Asp1310Glu)

Gene: FAT4 (FAT atypical cadherin 4; plus strand). Cytogenetic location: 4q28.1.
Variant type: single nucleotide variant.
Coding change: c.3930C>A on transcript NM_001291303.3 (MANE Select); coding-DNA position 3930, C replaced by A.
Protein change: p.Asp1310Glu; replaces aspartic acid 1310 with glutamic acid.
Molecular consequence: missense variant.
Genome position (GRCh38, 1-based): chr4:125,320,341, C>A. VCF-style: chr4-125320341-C-A. GRCh37 (hg19) VCF-style: chr4-126241496-C-A.
Other names: c.3930C>A, p.Asp1310Glu (NM_001291285.3, NM_024582.6); c.3930C>A (NM_024582.4); short protein forms D1310E.
Identifiers: ClinVar variation 1898638 (VCV001898638.4), dbSNP rs755765418, ClinGen allele CA3072387.
Genomic context (GRCh38, chr4:125,320,341, plus strand): 5'-AGGGACAATCCCCCTCAATTCAACGTGTACTTTAAATATTGATATTTTAGATGAAAATGA[C>A]AATACCCCTTCTTTCCCTAAATCAACACTCTTTGTTGATGTTTTGGAAAACATGAGAATT-3'
Protein context (NP_001278232.1, residues 1300-1320): TLNIDILDEN[Asp1310Glu]NTPSFPKSTL

ClinVar aggregate classification (germline): Uncertain significance. Review status: criteria provided, multiple submitters, no conflicts (2 of 4 stars). 2 submissions from 2 submitters: Uncertain significance (2). Last evaluated 2025-04-27.

Conditions:
Inborn genetic diseases. Identifiers: MedGen C0950123, MeSH D030342.

Allele frequency attached by ClinVar (database versions not stated): gnomAD 0.00001; TOPMed 0.00002; ExAC 0.00003.
gnomAD v4.1: 80 of 1,613,590 alleles (0.005%); highest among the groups gnomAD compares: Admixed American, 0.01%; no homozygotes.

Submissions (2):

Ambry Genetics
Classification: Uncertain significance for Inborn genetic diseases. Last evaluated: 2025-04-27. Review status: criteria provided, single submitter. Criteria: Ambry Variant Classification Scheme 2023. Collection method: clinical testing. Allele origin: germline.

Labcorp Genetics (formerly Invitae), Labcorp
Classification: Uncertain significance. Last evaluated: 2024-04-15. Review status: criteria provided, single submitter. Criteria: Invitae Variant Classification Sherloc (09022015). Collection method: clinical testing. Allele origin: germline.
Comment: This sequence change replaces aspartic acid, which is acidic and polar, with glutamic acid, which is acidic and polar, at codon 1310 of the FAT4 protein (p.Asp1310Glu). This variant is present in population databases (rs755765418, gnomAD 0.005%). This variant has not been reported in the literature in individuals affected with FAT4-related conditions. ClinVar contains an entry for this variant (Variation ID: 1898638). Advanced modeling of protein sequence and biophysical properties (such as structural, functional, and spatial information, amino acid conservation, physicochemical variation, residue mobility, and thermodynamic stability) performed at Invitae indicates that this missense variant is not expected to disrupt FAT4 protein function with a negative predictive value of 80%. In summary, the available evidence is currently insufficient to determine the role of this variant in disease. Therefore, it has been classified as a Variant of Uncertain Significance.